The following is an entry in ClinVar:

ClinVar aggregate classification (germline): Likely pathogenic. Review status: reviewed by expert panel (3 of 4 stars). 11 submissions from 11 submitters: Likely pathogenic (1). 10 of the submissions do not count toward it. Last evaluated 2025-02-25.

Conditions:
Distal myopathy with anterior tibial onset. Identifiers: Orphanet 178400, MedGen C1847532, MONDO:0011721, OMIM 606768.
Autosomal recessive limb-girdle muscular dystrophy type 2B (LGMDR2). Also called: Limb-Girdle Muscular Dystrophy Type 2B (LGMD2B); Limb-girdle muscular dystrophy, type 2B; MUSCULAR DYSTROPHY, LIMB-GIRDLE, TYPE 3; MUSCULAR DYSTROPHY, LIMB-GIRDLE, AUTOSOMAL RECESSIVE 2. Identifiers: Orphanet 268, MedGen C1850889, MONDO:0009676, OMIM 253601.
Miyoshi muscular dystrophy 1 (MMD1). Identifiers: Orphanet 45448, MedGen C4551973, MONDO:0024545, OMIM 254130.
Neuromuscular disease caused by qualitative or quantitative defects of dysferlin. Also called: Dysferlinopathy; Qualitative or quantitative defects of dysferlin. Identifiers: Orphanet 207073, MedGen C2931687, MONDO:0016145.
Autosomal recessive limb-girdle muscular dystrophy. Identifiers: Orphanet 102015, MedGen C2931907, MONDO:0015152.

Allele frequency attached by ClinVar (database versions not stated): 1000 Genomes Project 30x 0.00047; TOPMed 0.00007; ESP Exome Variant Server 0.00008; gnomAD 0.00010; gnomAD exomes 0.00013; ExAC 0.00014; 1000 Genomes Project 0.00020.
gnomAD v4.1: 163 of 1,614,092 alleles (0.01%); highest among the groups gnomAD compares: South Asian, 0.027%; no homozygotes.

Submissions (11):

ClinGen Limb Girdle Muscular Dystrophy Variant Curation Expert Panel, ClinGen
Classification: Likely pathogenic for Autosomal recessive limb-girdle muscular dystrophy. Last evaluated: 2025-02-25. Review status: reviewed by expert panel. Criteria: ClinGen LGMD VCEP ACMG Specifications DYSF V1.0.0. Collection method: curation. Allele origin: germline. Inheritance: Autosomal recessive inheritance.
Comment: The NM_003494.4: c.4024C>T variant in DYSF, which is also known as NM_001130987.2: c.4078C>T p.(Arg1360Trp), is a missense variant predicted to cause substitution of arginine by tryptophan at amino acid 1342, p.(Arg1342Trp). This variant has been identified in at least five individuals with features of LGMD (PMID: 36983702, 21522182, 22616201, Jain Foundation Dysferlin Registry internal data communication, ClinVar SCV003223254.2 internal data communication), including confirmed in trans with a likely pathogenic or pathogenic variant (NM_003494.4: c.2706dup p.(Lys903GlnfsTer4), 1.0 pt, PMID: 22616201, 21522182) and in unknown phase with a pathogenic variant (NM_003494.4: c.1053+1G>C, 0.5 pts, Jain Foundation Dysferlin Registry internal data communication) (PM3). At least one patient with this variant and a second presumed diagnostic DYSF variant had progressive limb girdle muscle weakness or a clinical suspicion of LGMD and severely reduced or absent dysferlin protein expression, which is highly specific for DYSF-related LGMD (PMID: 21522182, Jain Foundation Dysferlin Registry internal data communication; PP4_Strong). The highest population minor allele frequency for this variant is 0.0002782 (24/86254 exome chromosomes) in the South Asian population in gnomAD v4.1.0, which is greater than the LGMD VCEP threshold (≤0.0001) for PM2_Supporting (PM2_Supporting not met). Immunofluorescence and 2-A assays of dysferlin membrane localization in HEK293T cells showed that the Arg1342Trp protein reached the cell membrane, indicating no significant impact on this aspect of protein function (PMID: 35028538). The computational predictor REVEL gives a score of 0.79, which exceeds the threshold of ≥0.70, evidence that correlates with impact to DYSF function (PP3). In summary, this variant meets the criteria to be classified as Likely Pathogenic for autosomal recessive limb girdle muscular dystrophy based on the ACMG/AMP criteria applied, as specified by the ClinGen LGMD VCEP (LGMD VCEP specifications version 1.0.0; 02/25/2025): PM3, PP4_Strong, PP3.

Labcorp Genetics (formerly Invitae), Labcorp
Classification: Pathogenic for Neuromuscular disease caused by qualitative or quantitative defects of dysferlin. Last evaluated: 2025-10-02. Review status: criteria provided, single submitter. Criteria: Invitae Variant Classification Sherloc (09022015). Collection method: clinical testing. Allele origin: germline. Not counted in ClinVar's aggregate classification.
Comment: This sequence change replaces arginine, which is basic and polar, with tryptophan, which is neutral and slightly polar, at codon 1342 of the DYSF protein (p.Arg1342Trp). This variant is present in population databases (rs199870606, gnomAD 0.04%). This missense change has been observed in individual(s) with DYSF-related conditions (PMID: 21522182). ClinVar contains an entry for this variant (Variation ID: 280068). Invitae Evidence Modeling of protein sequence and biophysical properties (such as structural, functional, and spatial information, amino acid conservation, physicochemical variation, residue mobility, and thermodynamic stability) indicates that this missense variant is expected to disrupt DYSF protein function with a positive predictive value of 95%. This variant disrupts the p.Arg1342 amino acid residue in DYSF. Other variant(s) that disrupt this residue have been determined to be pathogenic (internal data). This suggests that this residue is clinically significant, and that variants that disrupt this residue are likely to be disease-causing. For these reasons, this variant has been classified as Pathogenic.

Natera, Inc.
Classification: Likely pathogenic for Limb-girdle muscular dystrophy type 2B. Last evaluated: 2025-09-30. Review status: criteria provided, single submitter. Criteria: Natera Variant Classification Schema (03/2026). Collection method: clinical testing. Allele origin: germline. Not counted in ClinVar's aggregate classification.
Comment: The c.4024C>T variant in DYSF is a missense variant predicted to cause substitution of arginine to tryptophan at amino acid 1342. This variant is rare in the general population with a frequency below the threshold expected for the associated phenotype(s). This variant has been observed in one or more individuals affected with the associated recessive disease, as either homozygous or compound heterozygous with a second variant (PMID: 22616201). A different variant at the same position has been determined to be Pathogenic or Likely Pathogenic. Computational prediction algorithms indicate this variant is likely to affect gene or protein function. Given the available evidence, this variant is classified as Likely Pathogenic.

Myriad Genetics, Inc.
Classification: Uncertain significance for Autosomal recessive limb-girdle muscular dystrophy. Last evaluated: 2025-07-22. Review status: criteria provided, single submitter. Criteria: Myriad Autosomal Dominant, Autosomal Recessive and X-Linked Classification Criteria (2023). Collection method: clinical testing. Allele origin: unknown. Not counted in ClinVar's aggregate classification.
Comment: NM_003494.3(DYSF):c.4024C>T(R1342W) is a missense variant classified as a variant of uncertain significance in the context of dysferlinopathy. R1342W has been observed in cases with relevant disease (PMID: 21522182, 36983702). Relevant functional assessments of this variant are available in the literature (PMID: 35028538). R1342W has been observed in referenced population frequency databases. In summary, there is insufficient evidence to classify NM_003494.3(DYSF):c.4024C>T(R1342W) as pathogenic or benign. Please note: this variant was assessed in the context of healthy population screening.

Women's Health and Genetics/Laboratory Corporation of America, LabCorp
Classification: Likely pathogenic for Autosomal recessive limb-girdle muscular dystrophy. Last evaluated: 2025-05-21. Review status: criteria provided, single submitter. Criteria: LabCorp Variant Classification Summary - May 2015. Collection method: clinical testing. Allele origin: germline. Not counted in ClinVar's aggregate classification.
Comment: Variant summary: DYSF c.4024C>T (p.Arg1342Trp) results in a non-conservative amino acid change located in the C2 domain (IPR000008) of the encoded protein sequence. Algorithms developed to predict the effect of missense changes on protein structure and function all suggest that this variant is likely to be disruptive. The variant allele was found at a frequency of 0.00013 in 251288 control chromosomes. This frequency is not significantly higher than estimated for a pathogenic variant in DYSF causing Limb-Girdle Muscular Dystrophy, Autosomal Recessive (0.00013 vs 0.0031), allowing no conclusion about variant significance.c.4024C>T has been observed in individual(s) affected with Limb-Girdle Muscular Dystrophy, Autosomal Recessive (example, Angelini_2011, Rufibach_2023), at-least one individual who presented with features of a toxic polymyositis and absent Dysferlin protein by western blotting (example, Angelini_2011). The variant has also been reported as a heterozygous genotype in affected and unaffected members of a family with with limb-girdle myasthenia in whom the authors identified two other untranslated GFPT1 mutations by exome sequencing (example, Maselli_2014). The following publications have been ascertained in the context of this evaluation (PMID: 22616201, 21522182, 25898921, 23488891, 36983702). ClinVar contains an entry for this variant (Variation ID: 280068). Based on the evidence outlined above, the variant was classified as likely pathogenic.

Fulgent Genetics
Classification: Likely pathogenic for Autosomal recessive limb-girdle muscular dystrophy type 2B; Miyoshi muscular dystrophy 1; Distal myopathy with anterior tibial onset. Last evaluated: 2024-06-25. Review status: criteria provided, single submitter. Criteria: ACMG Guidelines, 2015. Collection method: clinical testing. Allele origin: germline. Not counted in ClinVar's aggregate classification.

Blueprint Genetics
Classification: Uncertain significance. Last evaluated: 2024-05-22. Review status: criteria provided, single submitter. Criteria: ACMG Guidelines, 2015. Collection method: clinical testing. Allele origin: germline. Not counted in ClinVar's aggregate classification.

Baylor Genetics
Classification: Likely pathogenic for Miyoshi muscular dystrophy 1. Last evaluated: 2024-02-28. Review status: criteria provided, single submitter. Criteria: ACMG Guidelines, 2015. Collection method: clinical testing. Allele origin: unknown. Not counted in ClinVar's aggregate classification.

Revvity Omics, Revvity
Classification: Likely pathogenic. Last evaluated: 2023-09-18. Review status: criteria provided, single submitter. Criteria: ACMG Guidelines, 2015. Collection method: clinical testing. Allele origin: germline. Not counted in ClinVar's aggregate classification.

GeneDx
Classification: Pathogenic. Last evaluated: 2020-01-24. Review status: criteria provided, single submitter. Criteria: GeneDx Variant Classification Process June 2021. Collection method: clinical testing. Allele origin: germline. Affected: yes. Not counted in ClinVar's aggregate classification.
Comment: Not observed at a significant frequency in large population cohorts (Lek et al., 2016); This variant is associated with the following publications: (PMID: 21522182, 23488891, 22616201)

Eurofins Ntd Llc (ga)
Classification: Uncertain significance. Last evaluated: 2015-12-17. Review status: criteria provided, single submitter. Criteria: EGL Classification Definitions 2015. Collection method: clinical testing. Allele origin: germline. Observed: 1 variant allele, 1 heterozygote. Not counted in ClinVar's aggregate classification.

Literature cited by the submitters: PubMed 21522182 (cited by 3 submitters); PubMed 22616201 (cited by Natera, Inc. and Women's Health and Genetics/Laboratory Corporation of America, LabCorp); PubMed 35028538 (cited by Myriad Genetics, Inc.); PubMed 36983702 (cited by Myriad Genetics, Inc. and Women's Health and Genetics/Laboratory Corporation of America, LabCorp); PubMed 25898921 (cited by Women's Health and Genetics/Laboratory Corporation of America, LabCorp); PubMed 23488891 (cited by Women's Health and Genetics/Laboratory Corporation of America, LabCorp).

NM_001130987.2(DYSF):c.4078C>T (p.Arg1360Trp)

Gene: DYSF (dysferlin; plus strand). Cytogenetic location: 2p13.2.
Variant type: single nucleotide variant.
Coding change: c.4078C>T on transcript NM_001130987.2 (MANE Select); coding-DNA position 4078, C replaced by T.
Protein change: p.Arg1360Trp; replaces arginine 1360 with tryptophan.
Molecular consequence: missense variant.
Genome position (GRCh38, 1-based): chr2:71,611,483, C>T. VCF-style: chr2-71611483-C-T. GRCh37 (hg19) VCF-style: chr2-71838613-C-T.
Other names: NM_001130987.2(DYSF):c.4078C>T; p.Arg1360Trp; c.4027C>T, p.Arg1343Trp (NM_001130455.2, NM_001130983.2); c.3982C>T, p.Arg1328Trp (NM_001130976.2, NM_001130977.2); c.4024C>T, p.Arg1342Trp (NM_001130978.2, NM_003494.4); c.4117C>T, p.Arg1373Trp (NM_001130979.2); c.4075C>T, p.Arg1359Trp (NM_001130980.2, NM_001130981.2); c.4120C>T, p.Arg1374Trp (NM_001130982.2); and 2 more; short protein forms R1360W, R1342W, R1329W, R1343W, R1373W, R1374W, R1328W, R1359W.
Identifiers: ClinVar variation 280068 (VCV000280068.25), dbSNP rs199870606, ClinGen allele CA1706889.